The following is an entry in ClinVar:

NM_001854.4(COL11A1):c.4555-2A>G

Gene: COL11A1 (collagen type XI alpha 1 chain; minus strand). Cytogenetic location: 1p21.1.
Variant type: single nucleotide variant.
Coding change: c.4555-2A>G on transcript NM_001854.4 (MANE Select); the canonical splice acceptor site of the intron before coding-DNA position 4555, A replaced by G.
Molecular consequence: splice acceptor variant.
Genome position (GRCh38, 1-based): chr1:102,888,632, T>C on the plus strand (A>G on the coding strand, the complement: COL11A1 is on the minus strand). VCF-style: chr1-102888632-T-C. GRCh37 (hg19) VCF-style: chr1-103354188-T-C.
Other names: c.4438-2A>G (NM_001190709.2); c.4591-2A>G (NM_080629.3); c.4207-2A>G (NM_080630.4).
Identifiers: ClinVar variation 4731296 (VCV004731296.1).

ClinVar aggregate classification (germline): Likely pathogenic (1 of 4 stars; one submission).

Submission:

Labcorp Genetics (formerly Invitae), Labcorp
Classification: Likely pathogenic. Last evaluated: 2025-11-22. Review status: criteria provided, single submitter. Criteria: Invitae Variant Classification Sherloc (09022015). Collection method: clinical testing. Allele origin: germline.
Comment: This sequence change affects an acceptor splice site in intron 61 of the COL11A1 gene. It is expected to disrupt RNA splicing. Variants that disrupt the donor or acceptor splice site typically lead to a loss of protein function (PMID: 16199547), and loss-of-function variants in COL11A1 are known to be pathogenic (PMID: 20513134, 21035103, 23922384, 25240749, 32427345, 32756486). This variant is not present in population databases (gnomAD no frequency). This variant has not been reported in the literature in individuals affected with COL11A1-related conditions. Algorithms developed to predict the effect of sequence changes on RNA splicing suggest that this variant may disrupt the consensus splice site. In summary, the currently available evidence indicates that the variant is pathogenic, but additional data are needed to prove that conclusively. Therefore, this variant has been classified as Likely Pathogenic.

Literature cited by the submitters: PubMed 16199547; PubMed 20513134; PubMed 21035103; PubMed 23922384; PubMed 25240749; PubMed 32427345; PubMed 32756486.